The following is an entry in ClinVar:

ClinVar aggregate classification (germline): Likely benign. Review status: criteria provided, multiple submitters, no conflicts (2 of 4 stars). 2 submissions from 2 submitters: Likely benign (2). Last evaluated 2026-08-01.

Conditions:
Nephronophthisis 14 (NPHP14). Identifiers: Orphanet 2318, MedGen C3539071, MONDO:0013916, OMIM 614844.

Allele frequency attached by ClinVar (database versions not stated): gnomAD 0.00001.
gnomAD v4.1: 10 of 1,610,884 alleles (0.00062%); highest among the groups gnomAD compares: Admixed American, 0.0017%; no homozygotes.

Submissions (2):

CeGaT Center for Human Genetics Tuebingen
Classification: Likely benign. Last evaluated: 2026-08-01. Review status: criteria provided, single submitter. Criteria: CeGaT Center For Human Genetics Tuebingen Variant Classification Criteria Version 2. Collection method: clinical testing. Allele origin: germline. Affected: yes. Observed: 1 variant allele.
Comment: ZNF423: BP4, BP7

Labcorp Genetics (formerly Invitae), Labcorp
Classification: Likely benign for Nephronophthisis 14. Last evaluated: 2022-06-13. Review status: criteria provided, single submitter. Criteria: Invitae Variant Classification Sherloc (09022015). Collection method: clinical testing. Allele origin: germline.

NM_001379286.1(ZNF423):c.936C>T (p.Phe312=)

Gene: ZNF423 (zinc finger protein 423; minus strand). Cytogenetic location: 16q12.1.
Variant type: single nucleotide variant.
Coding change: c.936C>T on transcript NM_001379286.1 (MANE Select); coding-DNA position 936, C replaced by T.
Protein change: p.Phe312=; no amino-acid change (phenylalanine 312 retained).
Molecular consequence: synonymous variant.
Genome position (GRCh38, 1-based): chr16:49,638,240, G>A on the plus strand (C>T on the coding strand, the complement: ZNF423 is on the minus strand). VCF-style: chr16-49638240-G-A. GRCh37 (hg19) VCF-style: chr16-49672151-G-A.
Other names: c.732C>T, p.Phe244= (NM_001271620.2); c.561C>T, p.Phe187= (NM_001330533.2); c.912C>T, p.Phe304= (NM_015069.5).
Identifiers: ClinVar variation 1153977 (VCV001153977.10), dbSNP rs966177282, ClinGen allele CA495445507.